The following is an entry in ClinVar:

ClinVar aggregate classification (germline): Uncertain significance. Review status: criteria provided, multiple submitters, no conflicts (2 of 4 stars). 3 submissions from 3 submitters: Uncertain significance (3). Last evaluated 2026-01-12.

Conditions:
Nemaline myopathy 2 (NEM2). Also called: Nemaline myopathy 2, autosomal recessive. Identifiers: MedGen C1850569, MONDO:0009725, OMIM 256030.

Allele frequency attached by ClinVar (database versions not stated): ExAC 0.00003; TOPMed 0.00005.
gnomAD v4.1: 39 of 1,612,790 alleles (0.0024%); highest among the groups gnomAD compares: East Asian, 0.022%; no homozygotes.

Submissions (3):

Labcorp Genetics (formerly Invitae), Labcorp
Classification: Uncertain significance for Nemaline myopathy 2. Last evaluated: 2026-01-12. Review status: criteria provided, single submitter. Criteria: Invitae Variant Classification Sherloc (09022015). Collection method: clinical testing. Allele origin: germline.
Comment: This sequence change replaces aspartic acid, which is acidic and polar, with asparagine, which is neutral and polar, at codon 3608 of the NEB protein (p.Asp3608Asn). This variant is present in population databases (rs776058092, gnomAD 0.04%). This variant has not been reported in the literature in individuals affected with NEB-related conditions. ClinVar contains an entry for this variant (Variation ID: 1969791). Experimental studies and prediction algorithms are not available or were not evaluated, and the functional significance of this variant is currently unknown. In summary, the available evidence is currently insufficient to determine the role of this variant in disease. Therefore, it has been classified as a Variant of Uncertain Significance.

GeneDx
Classification: Uncertain significance. Last evaluated: 2024-09-10. Review status: criteria provided, single submitter. Criteria: GeneDx Variant Classification Process June 2021. Collection method: clinical testing. Allele origin: germline. Affected: yes.
Comment: In silico analysis supports that this missense variant has a deleterious effect on protein structure/function; Has not been previously published as pathogenic or benign to our knowledge

Blueprint Genetics
Classification: Uncertain significance. Last evaluated: 2023-11-07. Review status: criteria provided, single submitter. Criteria: ACMG Guidelines, 2015. Collection method: clinical testing. Allele origin: germline.

NM_001164508.2(NEB):c.10822G>A (p.Asp3608Asn)

Gene: NEB (nebulin; minus strand). Cytogenetic location: 2q23.3.
Variant type: single nucleotide variant.
Coding change: c.10822G>A on transcript NM_001164508.2 (MANE Select); coding-DNA position 10822, G replaced by A.
Protein change: p.Asp3608Asn; replaces aspartic acid 3608 with asparagine.
Molecular consequence: missense variant.
Genome position (GRCh38, 1-based): chr2:151,619,501, C>T on the plus strand (G>A on the coding strand, the complement: NEB is on the minus strand). VCF-style: chr2-151619501-C-T. GRCh37 (hg19) VCF-style: chr2-152476015-C-T.
Other names: c.10822G>A, p.Asp3608Asn (NM_001164507.2, NM_001271208.2); c.10093G>A, p.Asp3365Asn (NM_004543.5); short protein forms D3608N, D3365N.
Identifiers: ClinVar variation 1969791 (VCV001969791.5), dbSNP rs776058092, ClinGen allele CA1908948.
Genomic context (GRCh38, chr2:151,619,501, plus strand): 5'-GGAAACTTACGTCACTCTGGAGGTCATAGGCTTTCCGTGCATGAATGATGTCATTCTGGT[C>T]GGGCAGGCAGATCCATTCATGCAGAGGATGTTTATAGTCCACATCGCTGACCAAGGTCTG-3'
Protein context (NP_001157980.2, residues 3598-3618): HPLHEWICLP[Asp3608Asn]QNDIIHARKA